The following is an entry in ClinVar:

NM_018127.7(ELAC2):c.1052A>G (p.Asp351Gly)

Gene: ELAC2 (elaC ribonuclease Z 2; minus strand). Cytogenetic location: 17p12.
Variant type: single nucleotide variant.
Coding change: c.1052A>G on transcript NM_018127.7 (MANE Select); coding-DNA position 1052, A replaced by G.
Protein change: p.Asp351Gly; replaces aspartic acid 351 with glycine.
Molecular consequence: missense variant.
Genome position (GRCh38, 1-based): chr17:13,003,506, T>C on the plus strand (A>G on the coding strand, the complement: ELAC2 is on the minus strand). VCF-style: chr17-13003506-T-C. GRCh37 (hg19) VCF-style: chr17-12906823-T-C.
Other names: c.932A>G, p.Asp311Gly (NM_001165962.2); c.1052A>G, p.Asp351Gly (NM_173717.2); short protein forms D311G, D351G.
Identifiers: ClinVar variation 2167247 (VCV002167247.3), dbSNP rs932190227, ClinGen allele CA288084173.

ClinVar aggregate classification (germline): Uncertain significance (1 of 4 stars; one submission).

Conditions:
Combined oxidative phosphorylation defect type 17. Also called: Combined oxidative phosphorylation deficiency 17. Identifiers: Orphanet 369913, MedGen C3809526, MONDO:0014190, OMIM 615440.

Allele frequency attached by ClinVar (database versions not stated): gnomAD exomes 0.00001; TOPMed 0.00001.

Submission:

Labcorp Genetics (formerly Invitae), Labcorp
Classification: Uncertain significance for Combined oxidative phosphorylation defect type 17. Last evaluated: 2022-08-20. Review status: criteria provided, single submitter. Criteria: Invitae Variant Classification Sherloc (09022015). Collection method: clinical testing. Allele origin: germline.
Comment: In summary, the available evidence is currently insufficient to determine the role of this variant in disease. Therefore, it has been classified as a Variant of Uncertain Significance. Algorithms developed to predict the effect of sequence changes on RNA splicing suggest that this variant may disrupt the consensus splice site. Algorithms developed to predict the effect of missense changes on protein structure and function are either unavailable or do not agree on the potential impact of this missense change (SIFT: "Tolerated"; PolyPhen-2: "Possibly Damaging"; Align-GVGD: "Class C0"). This variant has not been reported in the literature in individuals affected with ELAC2-related conditions. This variant is present in population databases (no rsID available, gnomAD 0.007%). This sequence change replaces aspartic acid, which is acidic and polar, with glycine, which is neutral and non-polar, at codon 351 of the ELAC2 protein (p.Asp351Gly).